The following is an entry in ClinVar:

ClinVar aggregate classification (germline): Likely benign. Review status: criteria provided, multiple submitters, no conflicts (2 of 4 stars). 3 submissions from 3 submitters: Likely benign (3). Last evaluated 2025-10-22.

Allele frequency attached by ClinVar (database versions not stated): ExAC 0.00003; gnomAD 0.00003; gnomAD exomes 0.00005; TOPMed 0.00005.
gnomAD v4.1: 70 of 1,610,214 alleles (0.0043%); highest among the groups gnomAD compares: Middle Eastern, 0.018%; no homozygotes.

Submissions (3):

Labcorp Genetics (formerly Invitae), Labcorp
Classification: Likely benign. Last evaluated: 2025-10-22. Review status: criteria provided, single submitter. Criteria: Invitae Variant Classification Sherloc (09022015). Collection method: clinical testing. Allele origin: germline.

CeGaT Center for Human Genetics Tuebingen
Classification: Likely benign. Last evaluated: 2025-09-01. Review status: criteria provided, single submitter. Criteria: CeGaT Center For Human Genetics Tuebingen Variant Classification Criteria Version 2. Collection method: clinical testing. Allele origin: germline. Affected: yes. Observed: 1 variant allele.
Comment: KAT6A: BS2

GeneDx
Classification: Likely benign. Last evaluated: 2019-04-08. Review status: criteria provided, single submitter. Criteria: GeneDx Variant Classification Process June 2021. Collection method: clinical testing. Allele origin: germline. Affected: yes.
Comment: See Variant Classification Assertion Criteria.

NM_006766.5(KAT6A):c.5102C>T (p.Pro1701Leu)

Gene: KAT6A (lysine acetyltransferase 6A; minus strand). Cytogenetic location: 8p11.21.
Variant type: single nucleotide variant.
Coding change: c.5102C>T on transcript NM_006766.5 (MANE Select); coding-DNA position 5102, C replaced by T.
Protein change: p.Pro1701Leu; replaces proline 1701 with leucine.
Molecular consequence: missense variant.
Genome position (GRCh38, 1-based): chr8:41,933,118, G>A on the plus strand (C>T on the coding strand, the complement: KAT6A is on the minus strand). VCF-style: chr8-41933118-G-A. GRCh37 (hg19) VCF-style: chr8-41790636-G-A.
Other names: c.5102C>T (NM_006766.3); short protein forms P1701L.
Identifiers: ClinVar variation 2083140 (VCV002083140.12), dbSNP rs199692549, ClinGen allele CA4729353.